The following is an entry in ClinVar:

ClinVar aggregate classification (germline): Uncertain significance (1 of 4 stars; one submission).

Conditions:
Cutis laxa, X-linked (OHS). Also called: EDS IX; Occipital horn syndrome. Identifiers: Orphanet 198, MedGen C0268353, MONDO:0010572, OMIM 304150.
X-linked distal spinal muscular atrophy type 3. Also called: ATP7A-Related Distal Motor Neuropathy; SPINAL MUSCULAR ATROPHY, DISTAL, X-LINKED RECESSIVE; NEURONOPATHY, DISTAL HEREDITARY MOTOR, X-LINKED; NEUROPATHY, DISTAL HEREDITARY MOTOR, X-LINKED. Identifiers: Orphanet 139557, MedGen C1845359, MONDO:0010338, OMIM 300489.
Menkes kinky-hair syndrome (MNK). Also called: Classic Menkes Disease; Copper transport disease; Menkes Disease. Identifiers: Orphanet 565, MedGen C0022716, MONDO:0010651, OMIM 309400.

Allele frequency attached by ClinVar (database versions not stated): gnomAD 0.00001.
gnomAD v4.1: 1 of 1,209,339 alleles (0.000083%); highest among the groups gnomAD compares: Non-Finnish European, 0.00011%; no homozygotes.

Submission:

Labcorp Genetics (formerly Invitae), Labcorp
Classification: Uncertain significance for X-linked distal spinal muscular atrophy type 3; Cutis laxa, X-linked; Menkes kinky-hair syndrome. Last evaluated: 2022-08-23. Review status: criteria provided, single submitter. Criteria: Invitae Variant Classification Sherloc (09022015). Collection method: clinical testing. Allele origin: germline.
Comment: This sequence change replaces glutamic acid, which is acidic and polar, with glutamine, which is neutral and polar, at codon 1155 of the ATP7A protein (p.Glu1155Gln). This variant is not present in population databases (gnomAD no frequency). This variant has not been reported in the literature in individuals affected with ATP7A-related conditions. ClinVar contains an entry for this variant (Variation ID: 1472941). Advanced modeling of protein sequence and biophysical properties (such as structural, functional, and spatial information, amino acid conservation, physicochemical variation, residue mobility, and thermodynamic stability) performed at Invitae indicates that this missense variant is not expected to disrupt ATP7A protein function. In summary, the available evidence is currently insufficient to determine the role of this variant in disease. Therefore, it has been classified as a Variant of Uncertain Significance.

NM_000052.7(ATP7A):c.3463G>C (p.Glu1155Gln)

Gene: ATP7A (ATPase copper transporting alpha; plus strand). Cytogenetic location: Xq21.1.
Variant type: single nucleotide variant.
Coding change: c.3463G>C on transcript NM_000052.7 (MANE Select); coding-DNA position 3463, G replaced by C.
Protein change: p.Glu1155Gln; replaces glutamic acid 1155 with glutamine.
Molecular consequence: missense variant. On other transcripts: non-coding transcript variant (1).
Genome position (GRCh38, 1-based): chrX:78,033,773, G>C. VCF-style: chrX-78033773-G-C. GRCh37 (hg19) VCF-style: chrX-77289271-G-C.
Other names: c.3229G>C, p.Glu1077Gln (NM_001282224.2); short protein forms E1077Q, E1155Q.
Identifiers: ClinVar variation 1472941 (VCV001472941.8), dbSNP rs2077996609, ClinGen allele CA413604221.